The following is an entry in ClinVar:

NM_199437.2(PRDM10):c.2841+5T>C

Gene: PRDM10 (PR/SET domain 10; minus strand). Cytogenetic location: 11q24.3.
Variant type: single nucleotide variant.
Coding change: c.2841+5T>C on transcript NM_199437.2 (MANE Select); 5 bases into the intron after coding-DNA position 2841, T replaced by C.
Molecular consequence: intron variant.
Genome position (GRCh38, 1-based): chr11:129,914,699, A>G on the plus strand (T>C on the coding strand, the complement: PRDM10 is on the minus strand). VCF-style: chr11-129914699-A-G. GRCh37 (hg19) VCF-style: chr11-129784594-A-G.
Other names: c.1992+5T>C (NM_001367895.1, NM_001367896.1); c.2004+5T>C (NM_001367897.1); c.2583+5T>C (NM_199439.2, NM_001367898.1); c.2595+5T>C (NM_199438.2, NM_001367899.1); c.2781+5T>C (NM_001367891.1); c.2787+5T>C (NM_001367892.1); c.2493+5T>C (NM_001367894.1, NM_001367890.1); c.2853+5T>C (NM_001367893.1, NM_020228.3).
Identifiers: ClinVar variation 5038487 (VCV005038487.1).

ClinVar aggregate classification (germline): Likely benign (1 of 4 stars; one submission).

gnomAD v4.1: 9,933 of 1,614,240 alleles (0.62%); highest among the groups gnomAD compares: Non-Finnish European, 0.79%; 46 homozygotes.

Submission:

CeGaT Center for Human Genetics Tuebingen
Classification: Likely benign. Last evaluated: 2026-08-01. Review status: criteria provided, single submitter. Criteria: CeGaT Center For Human Genetics Tuebingen Variant Classification Criteria Version 2. Collection method: clinical testing. Allele origin: germline. Affected: yes. Observed: 1 variant allele.
Comment: PRDM10: BP4, BS2